The following is an entry in ClinVar:

ClinVar aggregate classification (germline): Uncertain significance. Review status: criteria provided, multiple submitters, no conflicts (2 of 4 stars). 2 submissions from 2 submitters: Uncertain significance (2). Last evaluated 2026-03-20.

Submissions (2):

GeneDx
Classification: Uncertain significance. Last evaluated: 2026-03-20. Review status: criteria provided, single submitter. Criteria: GeneDx Variant Classification Process June 2021. Collection method: clinical testing. Allele origin: germline.
Comment: Not observed at significant frequency in large population cohorts (gnomAD); In silico analysis supports that this missense variant has a deleterious effect on protein structure/function; Has not been previously published as pathogenic or benign to our knowledge; This variant is associated with the following publications: (PMID: 27839871)

ARUP Laboratories, Molecular Genetics and Genomics, ARUP Laboratories
Classification: Uncertain significance. Last evaluated: 2025-03-13. Review status: criteria provided, single submitter. Criteria: ARUP Molecular Germline Variant Investigation Process 2024. Collection method: clinical testing. Allele origin: germline.

NM_000834.5(GRIN2B):c.1695G>A (p.Met565Ile)

Gene: GRIN2B (glutamate ionotropic receptor NMDA type subunit 2B; minus strand). Cytogenetic location: 12p13.1.
Variant type: single nucleotide variant.
Coding change: c.1695G>A on transcript NM_000834.5 (MANE Select); coding-DNA position 1695, G replaced by A.
Protein change: p.Met565Ile; replaces methionine 565 with isoleucine.
Molecular consequence: missense variant.
Genome position (GRCh38, 1-based): chr12:13,611,810, C>T on the plus strand (G>A on the coding strand, the complement: GRIN2B is on the minus strand). VCF-style: chr12-13611810-C-T. GRCh37 (hg19) VCF-style: chr12-13764744-C-T.
Other names: c.1695G>A (NM_000834.3); c.1695G>A, p.Met565Ile (NM_001413992.1); short protein forms M565I.
Identifiers: ClinVar variation 4685678 (VCV004685678.2).